The following is an entry in ClinVar:

ClinVar aggregate classification (germline): Pathogenic/Likely pathogenic. Review status: criteria provided, multiple submitters, no conflicts (2 of 4 stars). 2 submissions from 2 submitters: Pathogenic (1); Likely pathogenic (1). Last evaluated 2025-03-04.

Conditions:
Epilepsy, familial focal, with variable foci 3 (FFEVF3). Identifiers: MedGen C4310708, MONDO:0014925, OMIM 617118.
Epilepsy, familial focal, with variable foci 1 (FFEVF1). Also called: DEPDC5-Related Epilepsy. Identifiers: MedGen C4551983, MONDO:0024556, OMIM 604364.

Submissions (2):

Institute of Human Genetics, University of Leipzig Medical Center
Classification: Pathogenic for Epilepsy, familial focal, with variable foci 1. Last evaluated: 2025-03-04. Review status: criteria provided, single submitter. Criteria: ACMG Guidelines, 2015. Collection method: clinical testing. Allele origin: unknown. Inheritance: Autosomal dominant inheritance. Affected: yes.
Comment: Criteria applied: PVS1,PM2,PS4_SUP

Labcorp Genetics (formerly Invitae), Labcorp
Classification: Likely pathogenic for Epilepsy, familial focal, with variable foci 3. Last evaluated: 2023-08-04. Review status: criteria provided, single submitter. Criteria: Invitae Variant Classification Sherloc (09022015). Collection method: clinical testing. Allele origin: germline.
Comment: Disruption of this splice site has been observed in individual(s) with epilepsy (Invitae). This variant is not present in population databases (gnomAD no frequency). ClinVar contains an entry for this variant (Variation ID: 1972282). Algorithms developed to predict the effect of sequence changes on RNA splicing suggest that this variant may disrupt the consensus splice site. In summary, the currently available evidence indicates that the variant is pathogenic, but additional data are needed to prove that conclusively. Therefore, this variant has been classified as Likely Pathogenic. This sequence change affects an acceptor splice site in intron 8 of the NPRL3 gene. It is expected to disrupt RNA splicing. Variants that disrupt the donor or acceptor splice site typically lead to a loss of protein function (PMID: 16199547), and loss-of-function variants in NPRL3 are known to be pathogenic (PMID: 26285051, 26505888).

Literature cited by the submitters: PubMed 16199547 (cited by Labcorp Genetics (formerly Invitae), Labcorp); PubMed 26285051 (cited by Labcorp Genetics (formerly Invitae), Labcorp); PubMed 26505888 (cited by Labcorp Genetics (formerly Invitae), Labcorp).

NM_001077350.3(NPRL3):c.768-1G>A

Genes: HBA-LCR (alpha-globin locus control region; plus strand), NPRL3 (NPR3 like, GATOR1 complex subunit; minus strand). Cytogenetic location: 16p13.3.
Variant type: single nucleotide variant.
Coding change: c.768-1G>A on transcript NM_001077350.3 (MANE Select); the canonical splice acceptor site of the intron before coding-DNA position 768, G replaced by A.
Molecular consequence: splice acceptor variant.
Genome position (GRCh38, 1-based): chr16:98,302, C>T on the plus strand (G>A on the coding strand, the complement: NPRL3 is on the minus strand). VCF-style: chr16-98302-C-T. GRCh37 (hg19) VCF-style: chr16-148300-C-T.
Other names: c.534-1G>A (NM_001243247.2); c.693-1G>A (NM_001243248.2, NM_001243249.2); c.231-1G>A (NM_001039476.3).
Identifiers: ClinVar variation 1972282 (VCV001972282.6), dbSNP rs2542826606, ClinGen allele CA394055976.
Genomic context (GRCh38, chr16:98,302, plus strand): 5'-ATAGGAAGCTCACCCAGCAAGGACTTCTCATCACTGAGCAGCAGCAGGGCATGGTAGGGG[C>T]TGCAAAACAATCACCTGTCACGGAACACACGAAGTGCAGGAACCCTGCACCGGGTATGCA-3'